The following is an entry in ClinVar:

ClinVar aggregate classification (germline): Likely benign. Review status: criteria provided, multiple submitters, no conflicts (2 of 4 stars). 2 submissions from 2 submitters: Likely benign (2). Last evaluated 2025-02-19.

Conditions:
Autosomal dominant spastic paraplegia type 9. Identifiers: MedGen C1832669, MONDO:0015091.
de Barsy syndrome. Also called: Cutis laxa-corneal clouding-oligophrenia syndrome. Identifiers: Orphanet 2962, MedGen C0268354, MONDO:0017569.
Cutis laxa, autosomal dominant 3 (ADCL3). Identifiers: Orphanet 90348, MedGen C4225268, MONDO:0014706, OMIM 616603.

Allele frequency attached by ClinVar (database versions not stated): TOPMed 0.00001; gnomAD 0.00002; gnomAD exomes 0.00009 and 0.00020; 1000 Genomes Project 30x 0.00016; 1000 Genomes Project 0.00020; ExAC 0.00022.
gnomAD v4.1: 138 of 1,614,012 alleles (0.0086%); highest among the groups gnomAD compares: South Asian, 0.15%; 1 homozygote.

Submissions (2):

Labcorp Genetics (formerly Invitae), Labcorp
Classification: Likely benign for Autosomal dominant spastic paraplegia type 9; de Barsy syndrome; Cutis laxa, autosomal dominant 3. Last evaluated: 2025-02-19. Review status: criteria provided, single submitter. Criteria: Invitae Variant Classification Sherloc (09022015). Collection method: clinical testing. Allele origin: germline.

CeGaT Center for Human Genetics Tuebingen
Classification: Likely benign. Last evaluated: 2024-07-01. Review status: criteria provided, single submitter. Criteria: CeGaT Center For Human Genetics Tuebingen Variant Classification Criteria Version 2. Collection method: clinical testing. Allele origin: germline. Affected: yes. Observed: 1 variant allele.
Comment: ALDH18A1: BP4, BP7

NM_002860.4(ALDH18A1):c.96C>A (p.Ile32=)

Gene: ALDH18A1 (aldehyde dehydrogenase 18 family member A1; minus strand). Cytogenetic location: 10q24.1.
Variant type: single nucleotide variant.
Coding change: c.96C>A on transcript NM_002860.4 (MANE Select); coding-DNA position 96, C replaced by A.
Protein change: p.Ile32=; no amino-acid change (isoleucine 32 retained).
Molecular consequence: synonymous variant. On other transcripts: intron variant (4).
Genome position (GRCh38, 1-based): chr10:95,643,199, G>T on the plus strand (C>A on the coding strand, the complement: ALDH18A1 is on the minus strand). VCF-style: chr10-95643199-G-T. GRCh37 (hg19) VCF-style: chr10-97402956-G-T.
Other names: c.96C>A, p.Ile32= (NM_001017423.2, NM_001323413.2, NM_001323414.2 and 2 more transcripts); c.-78-9550C>A (NM_001323419.2); c.-30-5763C>A (NM_001323412.2, NM_001323418.2, NM_001323416.2).
Identifiers: ClinVar variation 1623733 (VCV001623733.26), dbSNP rs11541779, ClinGen allele CA5620685.
Genomic context (GRCh38, chr10:95,643,199, plus strand): 5'-GGGTACAGTGATAAACGGGATGTTGCTCCAAGAACGAACATGTCTGATGACTGAAGGCTG[G>T]ATACAATCTGTAGCCATCAAAGTCAAATGCAAGAAAAAAAGAAATACTCAATATAGTTTT-3'
Protein context (NP_002851.2, residues 22-42): KCTTVFRSHC[Ile32=]QPSVIRHVRS